The following is an entry in ClinVar:

ClinVar aggregate classification (germline): Uncertain significance (1 of 4 stars; one submission).

Conditions:
Inborn genetic diseases. Identifiers: MedGen C0950123, MeSH D030342.

Submission:

Ambry Genetics
Classification: Uncertain significance for Inborn genetic diseases. Last evaluated: 2021-01-27. Review status: criteria provided, single submitter. Criteria: Ambry Variant Classification Scheme 2023. Collection method: clinical testing. Allele origin: germline.
Comment: The c.1349G>C (p.R450P) alteration is located in exon 11 (coding exon 11) of the LRPPRC gene. This alteration results from a G to C substitution at nucleotide position 1349, causing the arginine (R) at amino acid position 450 to be replaced by a proline (P). The p.R450P alteration is predicted to be tolerated by in silico analysis. Based on insufficient or conflicting evidence, the clinical significance of this alteration remains unclear.

NM_133259.4(LRPPRC):c.1349G>C (p.Arg450Pro)

Gene: LRPPRC (leucine rich pentatricopeptide repeat containing; minus strand). Cytogenetic location: 2p21.
Variant type: single nucleotide variant.
Coding change: c.1349G>C on transcript NM_133259.4 (MANE Select); coding-DNA position 1349, G replaced by C.
Protein change: p.Arg450Pro; replaces arginine 450 with proline.
Molecular consequence: missense variant.
Genome position (GRCh38, 1-based): chr2:43,973,627, C>G on the plus strand (G>C on the coding strand, the complement: LRPPRC is on the minus strand). VCF-style: chr2-43973627-C-G. GRCh37 (hg19) VCF-style: chr2-44200766-C-G.
Other names: short protein forms R450P.
Identifiers: ClinVar variation 2229102 (VCV002229102.2), dbSNP rs754172387, ClinGen allele CA346671918.